The following is an entry in ClinVar:

ClinVar aggregate classification (germline): Uncertain significance (1 of 4 stars; one submission).

Conditions:
Adenylosuccinate lyase deficiency (ADSLD). Also called: ADSL DEFICIENCY. Identifiers: Orphanet 46, MedGen C0268126, MONDO:0007068, OMIM 103050.

Submission:

Labcorp Genetics (formerly Invitae), Labcorp
Classification: Uncertain significance for Adenylosuccinate lyase deficiency. Last evaluated: 2021-11-10. Review status: criteria provided, single submitter. Criteria: Invitae Variant Classification Sherloc (09022015). Collection method: clinical testing. Allele origin: germline.
Comment: This variant occurs in a non-coding region of the ADSL gene. It does not change the encoded amino acid sequence of the ADSL protein. This variant is not present in population databases (gnomAD no frequency). In summary, the available evidence is currently insufficient to determine the role of this variant in disease. Therefore, it has been classified as a Variant of Uncertain Significance. Experimental studies and prediction algorithms are not available or were not evaluated, and the functional significance of this variant is currently unknown. This variant has not been reported in the literature in individuals affected with ADSL-related conditions.

NC_000022.11:g.40345905C>T

Gene: ADSL (adenylosuccinate lyase; plus strand). Cytogenetic location: 22q13.1.
Variant type: single nucleotide variant.
Genome position: GRCh38 VCF-style: chr22-40345905-C-T. GRCh37 (hg19) VCF-style: chr22-40741909-C-T.
Identifiers: ClinVar variation 1512380 (VCV001512380.6), dbSNP rs1051195380, ClinGen allele CA324446451.
Genomic context (GRCh38, chr22:40,345,905, plus strand): 5'-GTCTCAAACTCCTAAGCTCAGGAAATCTGCCTGCCTCGACCTCCCGAAGTGCTGGGATTA[C>T]AGGCGTAGGCCACCGCAGCCGGCTCACTGGGGGCGCAGTAAATGCCGATTTCCCTTGGGT-3'